The following is an entry in ClinVar:

NM_000447.3(PSEN2):c.1229A>G (p.Lys410Arg)

Gene: PSEN2 (presenilin 2; plus strand). Cytogenetic location: 1q42.13.
Variant type: single nucleotide variant.
Coding change: c.1229A>G on transcript NM_000447.3 (MANE Select); coding-DNA position 1229, A replaced by G.
Protein change: p.Lys410Arg; replaces lysine 410 with arginine.
Molecular consequence: missense variant.
Genome position (GRCh38, 1-based): chr1:226,895,461, A>G. VCF-style: chr1-226895461-A-G. GRCh37 (hg19) VCF-style: chr1-227083162-A-G.
Other names: c.1229A>G, p.Lys410Arg (NM_001437537.1); c.1226A>G, p.Lys409Arg (NM_012486.3); short protein forms K409R, K410R.
Identifiers: ClinVar variation 4849956 (VCV004849956.1).

ClinVar aggregate classification (germline): Uncertain significance (0 of 4 stars; one submission).

Conditions:
Alzheimer disease 4 (AD4). Identifiers: Orphanet 1020, MedGen C1847200, MONDO:0011743, OMIM 606889.

Submission:

Medical Genetics Unit, Mauro Baschirotto Institute for Rare Disease
Classification: Uncertain significance for Alzheimer disease 4. Last evaluated: 2026-04-20. Review status: no assertion criteria provided. Collection method: clinical testing. Allele origin: germline. Affected: yes. Observed: 1 variant allele.
Comment: This variant was interpreted by the AD-FTD Italian Consortium, including the following participating institutions: Mauro Baschirotto Institute for Rare Disease, Medical Genetics Unit (Dr Paola de Gemmis, Dr Daniela Segat, Dr Chiara Stefani); Neurology Unit, Department of Biomedicine, Neurosciences and Advanced Diagnostics, University of Palermo, Italy (Dr Tommaso Piccoli); Neurology Unit, Santa Maria della Misericordia Hospital, Perugia, Italy (Dr Lorenzo Gaetani). The participating laboratories jointly contributed to patient recruitment, clinical data collection, and variant interpretation and classification. Variant c.1229A>G in the PSEN2 gene results in a missense substitution of lysine with arginine at codon 410 of the PSEN2 protein (p.Lys410Arg). This is a conservative amino acid change between two basic, positively charged residues, and multiple in-silico prediction tools indicate a tolerated effect. The variant has a reported allele frequency in gnomAD of 0.000240% and no homozygous individuals were observed according to publicly available data. For this missense variant, computational prediction tools unanimously support a deleterious effect on PSEN2 gene. The PSEN2 gene encodes presenilin 2, which is a component of the gamma-secretase complex. This complex is involved in the proteolytic cleavage of several type I transmembrane proteins, including the amyloid precursor protein (APP). Cleavage of APP by gamma-secretase results in the production of amyloid-beta (Aβ) peptides, which are implicated in the pathogenesis of Alzheimer's disease. Presenilin 2 is also involved in the regulation of intracellular calcium homeostasis and apoptosis. The affected residue is not located within a known catalytic or functionally critical domain of PSEN2, and no functional or segregation data supporting pathogenicity have been reported to date. No alternative pathogenic changes at the same codon have been described. Nonetheless, this missense variant affects a codon that is evolutionarily conserved, suggesting that this position may be functionally important. Computational prediction scores include SIFT prediction (benign moderate, score 0.537), FATHMM prediction (deleterious moderate, score -6.13) and REVEL (deleterious supporting score 0.77). Taken together all of these data suggest an uncertain significance classification for this variant.